The following is an entry in ClinVar:

ClinVar aggregate classification (germline): Uncertain significance. Review status: criteria provided, multiple submitters, no conflicts (2 of 4 stars). 4 submissions from 4 submitters: Uncertain significance (4). Last evaluated 2026-01-21.

Conditions:
Inborn genetic diseases. Identifiers: MedGen C0950123, MeSH D030342.

Allele frequency attached by ClinVar (database versions not stated): ExAC 0.00002; gnomAD 0.00003; gnomAD exomes 0.00003; TOPMed 0.00004.
gnomAD v4.1: 56 of 1,611,826 alleles (0.0035%); highest among the groups gnomAD compares: Admixed American, 0.0083%; no homozygotes.

Submissions (4):

Labcorp Genetics (formerly Invitae), Labcorp
Classification: Uncertain significance. Last evaluated: 2026-01-21. Review status: criteria provided, single submitter. Criteria: Invitae Variant Classification Sherloc (09022015). Collection method: clinical testing. Allele origin: germline.
Comment: This sequence change replaces arginine, which is basic and polar, with cysteine, which is neutral and slightly polar, at codon 1440 of the MYH14 protein (p.Arg1440Cys). This variant is present in population databases (rs727503227, gnomAD 0.02%). This variant has not been reported in the literature in individuals affected with MYH14-related conditions. ClinVar contains an entry for this variant (Variation ID: 164194). Invitae Evidence Modeling of protein sequence and biophysical properties (such as structural, functional, and spatial information, amino acid conservation, physicochemical variation, residue mobility, and thermodynamic stability) has been performed for this missense variant. However, the output from this modeling did not meet the statistical confidence thresholds required to predict the impact of this variant on MYH14 protein function. In summary, the available evidence is currently insufficient to determine the role of this variant in disease. Therefore, it has been classified as a Variant of Uncertain Significance.

Ambry Genetics
Classification: Uncertain significance for Inborn genetic diseases. Last evaluated: 2025-05-20. Review status: criteria provided, single submitter. Criteria: Ambry Variant Classification Scheme 2023. Collection method: clinical testing. Allele origin: germline.

GeneDx
Classification: Uncertain significance. Last evaluated: 2023-02-10. Review status: criteria provided, single submitter. Criteria: GeneDx Variant Classification Process June 2021. Collection method: clinical testing. Allele origin: germline. Affected: yes.
Comment: In silico analysis supports that this missense variant has a deleterious effect on protein structure/function; Has not been previously published as pathogenic or benign to our knowledge

Laboratory for Molecular Medicine, Mass General Brigham Personalized Medicine
Classification: Uncertain significance. Last evaluated: 2014-02-07. Review status: criteria provided, single submitter. Criteria: LMM Criteria. Collection method: clinical testing. Allele origin: germline. Observed: 1 variant allele.
Comment: The Arg1481Cys variant in MYH14 has not been reported in individuals with hearin g loss and data from large population studies is insufficient to assess the freq uency of this variant. Computational analyses (biochemical amino acid properties , conservation, AlignGVGD, PolyPhen2, and SIFT) do not provide strong support fo r or against an impact to the protein. In summary, additional information is nee ded to determine the clinical significance of this variant.

NM_001145809.2(MYH14):c.4441C>T (p.Arg1481Cys)

Gene: MYH14 (myosin heavy chain 14; plus strand). Cytogenetic location: 19q13.33.
Variant type: single nucleotide variant.
Coding change: c.4441C>T on transcript NM_001145809.2 (MANE Select); coding-DNA position 4441, C replaced by T.
Protein change: p.Arg1481Cys; replaces arginine 1481 with cysteine.
Molecular consequence: missense variant.
Genome position (GRCh38, 1-based): chr19:50,281,744, C>T. VCF-style: chr19-50281744-C-T. GRCh37 (hg19) VCF-style: chr19-50785001-C-T.
Other names: c.4318C>T (NM_024729.3); c.4342C>T, p.Arg1448Cys (NM_001077186.2); c.4318C>T, p.Arg1440Cys (NM_024729.4); short protein forms R1481C, R1440C, R1448C.
Identifiers: ClinVar variation 164194 (VCV000164194.8), dbSNP rs727503227, ClinGen allele CA176912.